The following is an entry in ClinVar:

ClinVar aggregate classification (germline): Uncertain significance (1 of 4 stars; one submission).

Conditions:
Meckel-Gruber syndrome. Also called: DYSENCEPHALIA SPLANCHNOCYSTICA; GRUBER SYNDROME; Dysencephalia splachnocystica. Identifiers: Orphanet 564, MedGen C0265215, MONDO:0018921.
Joubert syndrome. Also called: CEREBELLOPARENCHYMAL DISORDER IV; JOUBERT-BOLTSHAUSER SYNDROME; Familial aplasia of the vermis. Identifiers: Orphanet 475, MedGen C5979921, MONDO:0018772.

Allele frequency attached by ClinVar (database versions not stated): TOPMed below 0.00001; gnomAD 0.00001; ExAC 0.00002.
gnomAD v4.1: 14 of 1,614,210 alleles (0.00087%); highest among the groups gnomAD compares: African/African-American, 0.0027%; no homozygotes.

Submission:

Labcorp Genetics (formerly Invitae), Labcorp
Classification: Uncertain significance for Joubert syndrome; Meckel-Gruber syndrome. Last evaluated: 2022-06-09. Review status: criteria provided, single submitter. Criteria: Invitae Variant Classification Sherloc (09022015). Collection method: clinical testing. Allele origin: germline.
Comment: This sequence change replaces threonine, which is neutral and polar, with methionine, which is neutral and non-polar, at codon 196 of the TCTN2 protein (p.Thr196Met). This variant is present in population databases (rs761087301, gnomAD 0.006%). This variant has not been reported in the literature in individuals affected with TCTN2-related conditions. Algorithms developed to predict the effect of missense changes on protein structure and function are either unavailable or do not agree on the potential impact of this missense change (SIFT: "Tolerated"; PolyPhen-2: "Possibly Damaging"; Align-GVGD: "Class C0"). In summary, the available evidence is currently insufficient to determine the role of this variant in disease. Therefore, it has been classified as a Variant of Uncertain Significance.

NM_024809.5(TCTN2):c.587C>T (p.Thr196Met)

Gene: TCTN2 (tectonic family member 2; plus strand). Cytogenetic location: 12q24.31.
Variant type: single nucleotide variant.
Coding change: c.587C>T on transcript NM_024809.5 (MANE Select); coding-DNA position 587, C replaced by T.
Protein change: p.Thr196Met; replaces threonine 196 with methionine.
Molecular consequence: missense variant.
Genome position (GRCh38, 1-based): chr12:123,686,858, C>T. VCF-style: chr12-123686858-C-T. GRCh37 (hg19) VCF-style: chr12-124171405-C-T.
Other names: c.584C>T, p.Thr195Met (NM_001143850.3); c.587C>T, p.Thr196Met (NM_001410989.1); short protein forms T195M, T196M.
Identifiers: ClinVar variation 1901799 (VCV001901799.2), dbSNP rs761087301, ClinGen allele CA6860937.